The following is an entry in ClinVar:

ClinVar aggregate classification (germline): Uncertain significance (0 of 4 stars; one submission).

Conditions:
ERMARD-related disorder. Also called: ERMARD-related condition.

Submission:

PreventionGenetics, part of Exact Sciences
Classification: Uncertain significance for ERMARD-related condition. Last evaluated: 2024-07-11. Review status: no assertion criteria provided. Collection method: clinical testing. Allele origin: germline.
Comment: The ERMARD c.1432_1433delTT variant is predicted to result in a frameshift and premature protein termination (p.Leu478Aspfs*7). To our knowledge, this variant has not been reported in the literature. This variant is reported in 0.0054% of alleles in individuals of East Asian descent in gnomAD. At this time, loss-of-function variants in ERMARD are not a well-established cause of disease and therefore the clinical significance of this variant is uncertain due to the absence of conclusive functional and genetic evidence.

NM_018341.3(ERMARD):c.1432_1433del (p.Leu478fs)

Gene: ERMARD (ER membrane associated RNA degradation; plus strand). Cytogenetic location: 6q27.
Variant type: Deletion.
Coding change: c.1432_1433del on transcript NM_018341.3 (MANE Select); coding-DNA positions 1432 to 1433, 2 bases deleted (TT; older notation c.1432_1433delTT).
Protein change: p.Leu478fs; shifts the reading frame from leucine 478.
Molecular consequence: frameshift variant.
Genome position (GRCh38, 1-based): chr6:169,775,977-169,775,978, TT deleted; deleting any 2 consecutive bases within chr6:169,775,976-169,775,978 gives the same sequence; the c. name uses the placement nearest the transcript's 3' end. VCF-style (leftmost placement, unchanged base first): chr6-169775975-CTT-C. GRCh37 (hg19) VCF-style: chr6-170176071-CTT-C.
Other names: c.1432_1433del, p.Leu478fs (NM_001278531.2, NM_001278533.2); c.1054_1055del, p.Leu352fs (NM_001278532.2); c.1024_1025del, p.Leu342fs (NM_001410957.1); short protein forms L342fs, L352fs, L478fs.
Identifiers: ClinVar variation 3351112 (VCV003351112.1).